The following is an entry in ClinVar:

ClinVar aggregate classification (germline): Conflicting classifications of pathogenicity. Review status: criteria provided, conflicting classifications (1 of 4 stars). 4 submissions from 4 submitters: Uncertain significance (3); Likely benign (1). Last evaluated 2026-02-13.

Conditions:
Familial thoracic aortic aneurysm and aortic dissection (TAAD). Also called: Thoracic aortic aneurysms and dissections. Identifiers: Orphanet 91387, MedGen C4707243, MONDO:0019625.
Heterotopia, periventricular, X-linked dominant (PVNH1). Also called: PERIVENTRICULAR NODULAR HETEROTOPIA 4; HETEROTOPIA, PERIVENTRICULAR, 1; PERIVENTRICULAR NODULAR HETEROTOPIA 1; X-linked periventricular heterotopia. Identifiers: Orphanet 2149, Orphanet 82004, MedGen C1848213, MONDO:0010233, OMIM 300049.
Oto-palato-digital syndrome, type II (OPD2). Also called: Otopalatodigital Syndrome, Type II; FACIOPALATOOSSEOUS SYNDROME; OPD II SYNDROME; Otopalatodigital Syndrome Type 2 (FLNA-OPD2). Identifiers: Orphanet 669, Orphanet 90652, MedGen C1844696, MONDO:0010571, OMIM 304120.
Melnick-Needles syndrome (MNS). Also called: MELNICK-NEEDLES OSTEODYSPLASTY; OSTEODYSPLASTY OF MELNICK AND NEEDLES; Melnick-Needles Syndrome (FLNA-MNS). Identifiers: Orphanet 2484, MedGen C0025237, MONDO:0010650, OMIM 309350.
Frontometaphyseal dysplasia (FMD1). Identifiers: Orphanet 1826, MedGen C0265293, MONDO:0015942.

Allele frequency attached by ClinVar (database versions not stated): TOPMed 0.00002; gnomAD exomes below 0.00001 and 0.00002; ExAC 0.00002; gnomAD 0.00002.

Submissions (4):

Ambry Genetics
Classification: Uncertain significance for Familial thoracic aortic aneurysm and aortic dissection. Last evaluated: 2026-02-13. Review status: criteria provided, single submitter. Criteria: Ambry Variant Classification Scheme 2023. Collection method: clinical testing. Allele origin: germline.
Comment: The p.R488W variant (also known as c.1462C>T), located in coding exon 9 of the FLNA gene, results from a C to T substitution at nucleotide position 1462. The arginine at codon 488 is replaced by tryptophan, an amino acid with dissimilar properties. This amino acid position is conserved. In addition, this alteration is predicted to be deleterious by in silico analysis. Based on data from gnomAD, the T allele has an overall frequency of 0.0017% (3/180322) total alleles studied, with 1 hemizygote observed. The highest observed frequency was 0.0063% (1/15905) of European (Finnish) alleles. Based on the available evidence, the clinical significance of this variant remains unclear.

Labcorp Genetics (formerly Invitae), Labcorp
Classification: Likely benign for Oto-palato-digital syndrome, type II; Heterotopia, periventricular, X-linked dominant; Frontometaphyseal dysplasia; Melnick-Needles syndrome. Last evaluated: 2022-08-15. Review status: criteria provided, single submitter. Criteria: Invitae Variant Classification Sherloc (09022015). Collection method: clinical testing. Allele origin: germline.

Revvity Omics, Revvity
Classification: Uncertain significance. Last evaluated: 2021-12-10. Review status: criteria provided, single submitter. Criteria: ACMG Guidelines, 2015. Collection method: clinical testing. Allele origin: germline.

ARUP Laboratories, Molecular Genetics and Genomics, ARUP Laboratories
Classification: Uncertain significance. Last evaluated: 2018-05-26. Review status: criteria provided, single submitter. Criteria: ARUP Molecular Germline Variant Investigation Process. Collection method: clinical testing. Allele origin: germline.
Comment: The FLNA c.1462C>T; p.Arg488Trp variant (rs782434042), to our knowledge, is not reported in the medical literature or in gene-specific databases, but is observed in the general population at a low overall frequency of 0.0016% (3/177959, 1 hemizygote) in the Genome Aggregation Database. The arginine at codon 488 is highly conserved and computational algorithms (PolyPhen-2, SIFT) predict that this variant is deleterious. Due to the lack of clinical and functional data regarding this variant, its clinical significance cannot be determined with certainty. Pathogenic variants in FLNA are causative for a number of X-linked disorders: (1) Otopalatodigital Spectrum Disorders: frontometaphyseal dysplasia (MIM:305620), Melnick-Needles syndrome (MIM:309350), otopalatodigital syndrome, type I (MIM:311300), otopalatodigital syndrome, type II (MIM:304120), terminal osseous dysplasia (MIM:300244); (2) periventricular heterotopia (MIM:300049; mostly affects females, as males have early lethality); (3) intestinal pseudoobstruction, neuronal (MIM: 300048) or congenital short bowel syndrome (MIM:300048); and (4) X-linked cardiac valvular dysplasia (MIM:314400; X-CVD) has been reported in six unrelated pedigrees, three of whom had missense variants and three of whom had the same large deletion predicted to yield an in-frame mRNA (Kyndt 2007). In the families reported, penetrance was complete in males, but incomplete with variable expressivity in females. Overall, the clinical presentation for the same FLNA gene variant in males is usually more severe than females, who benefit from random X-inactivation. Kyndt F et al. Mutations in the gene encoding filamin A as a cause for familial cardiac valvular dystrophy. Circulation. 2007 Jan 2;115(1):40-9.

NM_001110556.2(FLNA):c.1462C>T (p.Arg488Trp)

Gene: FLNA (filamin A; minus strand). Cytogenetic location: Xq28.
Variant type: single nucleotide variant.
Coding change: c.1462C>T on transcript NM_001110556.2 (MANE Select); coding-DNA position 1462, C replaced by T.
Protein change: p.Arg488Trp; replaces arginine 488 with tryptophan.
Molecular consequence: missense variant.
Genome position (GRCh38, 1-based): chrX:154,365,454, G>A on the plus strand (C>T on the coding strand, the complement: FLNA is on the minus strand). VCF-style: chrX-154365454-G-A. GRCh37 (hg19) VCF-style: chrX-153593822-G-A.
Other names: c.1462C>T, p.Arg488Trp (NM_001456.4); short protein forms R488W.
Identifiers: ClinVar variation 618133 (VCV000618133.19), dbSNP rs782434042, ClinGen allele CA10561166.